The following is an entry in ClinVar:

NM_005120.3(MED12):c.1252C>T (p.Arg418Cys)

Gene: MED12 (mediator complex subunit 12; plus strand). Cytogenetic location: Xq13.1.
Variant type: single nucleotide variant.
Coding change: c.1252C>T on transcript NM_005120.3 (MANE Select); coding-DNA position 1252, C replaced by T.
Protein change: p.Arg418Cys; replaces arginine 418 with cysteine.
Molecular consequence: missense variant.
Genome position (GRCh38, 1-based): chrX:71,122,511, C>T. VCF-style: chrX-71122511-C-T. GRCh37 (hg19) VCF-style: chrX-70342361-C-T.
Other names: c.1252C>T (NM_005120.2); short protein forms R418C.
Identifiers: ClinVar variation 1414869 (VCV001414869.10), dbSNP rs2147783217, ClinGen allele CA413505797.

ClinVar aggregate classification (germline): Uncertain significance. Review status: criteria provided, multiple submitters, no conflicts (2 of 4 stars). 4 submissions from 4 submitters: Uncertain significance (4). Last evaluated 2025-02-28.

Conditions:
FG syndrome (FGS). Identifiers: MedGen C0220769, MONDO:0002010.
FG syndrome 1 (OKS). Also called: OPITZ-KAVEGGIA SYNDROME; FG Syndrome Type 1 (FGS1); KELLER SYNDROME; MENTAL RETARDATION, LARGE HEAD, IMPERFORATE ANUS, CONGENITAL HYPOTONIA, AND PARTIAL AGENESIS OF CORPUS CALLOSUM. Identifiers: Orphanet 93932, MedGen C5399762, MONDO:0010590, OMIM 305450.

gnomAD v4.1: 4 of 1,210,463 alleles (0.00033%); highest among the groups gnomAD compares: South Asian, 0.0018%; no homozygotes.

Submissions (4):

Labcorp Genetics (formerly Invitae), Labcorp
Classification: Uncertain significance for FG syndrome. Last evaluated: 2025-02-28. Review status: criteria provided, single submitter. Criteria: Invitae Variant Classification Sherloc (09022015). Collection method: clinical testing. Allele origin: germline.
Comment: This sequence change replaces arginine, which is basic and polar, with cysteine, which is neutral and slightly polar, at codon 418 of the MED12 protein (p.Arg418Cys). This variant is not present in population databases (gnomAD no frequency). This variant has not been reported in the literature in individuals affected with MED12-related conditions. ClinVar contains an entry for this variant (Variation ID: 1414869). Invitae Evidence Modeling of protein sequence and biophysical properties (such as structural, functional, and spatial information, amino acid conservation, physicochemical variation, residue mobility, and thermodynamic stability) indicates that this missense variant is expected to disrupt MED12 protein function with a positive predictive value of 95%. In summary, the available evidence is currently insufficient to determine the role of this variant in disease. Therefore, it has been classified as a Variant of Uncertain Significance.

GeneDx
Classification: Uncertain significance. Last evaluated: 2024-05-30. Review status: criteria provided, single submitter. Criteria: GeneDx Variant Classification Process June 2021. Collection method: clinical testing. Allele origin: germline. Affected: yes.
Comment: Has not been previously published as pathogenic or benign to our knowledge; In silico analysis supports that this missense variant has a deleterious effect on protein structure/function

Blueprint Genetics
Classification: Uncertain significance. Last evaluated: 2024-02-20. Review status: criteria provided, single submitter. Criteria: ACMG Guidelines, 2015. Collection method: clinical testing. Allele origin: germline.

Neuberg Centre For Genomic Medicine, NCGM
Classification: Uncertain significance for FG syndrome 1. Review status: criteria provided, single submitter. Criteria: ACMG Guidelines, 2015. Collection method: clinical testing. Allele origin: germline. Inheritance: X-linked recessive inheritance. Affected: yes.